The following is an entry in ClinVar:

NM_001134363.3(RBM20):c.1958C>T (p.Thr653Ile)

Gene: RBM20 (RNA binding motif protein 20; plus strand). Cytogenetic location: 10q25.2.
Variant type: single nucleotide variant.
Coding change: c.1958C>T on transcript NM_001134363.3 (MANE Select); coding-DNA position 1958, C replaced by T.
Protein change: p.Thr653Ile; replaces threonine 653 with isoleucine.
Molecular consequence: missense variant.
Genome position (GRCh38, 1-based): chr10:110,812,355, C>T. VCF-style: chr10-110812355-C-T. GRCh37 (hg19) VCF-style: chr10-112572113-C-T.
Other names: p.T653I:ACC>ATC; short protein forms T653I.
Identifiers: ClinVar variation 180045 (VCV000180045.25), dbSNP rs727505310, ClinGen allele CA185702.
Genomic context (GRCh38, chr10:110,812,355, plus strand): 5'-CGCGGTCTCGTAGTCCGGTGAGCCGGTCACTCTCCCCGAGGTCCCACACTCCCAGCTTCA[C>T]CTCCTGCAGCTCTTCCCACAGCCCTCCGGGCCCCTCCCGGGCTGACTGGGGCAATGGCCG-3'
Protein context (NP_001127835.2, residues 643-663): LSPRSHTPSF[Thr653Ile]SCSSSHSPPG

ClinVar aggregate classification (germline): Conflicting classifications of pathogenicity. Review status: criteria provided, conflicting classifications (1 of 4 stars). 6 submissions from 6 submitters: Uncertain significance (3); Likely benign (3). Last evaluated 2026-01-26.

Conditions:
Cardiovascular phenotype. Identifiers: MedGen CN230736.
Dilated cardiomyopathy 1DD (CMD1DD). Identifiers: Orphanet 154, MedGen C2750995, MONDO:0013168, OMIM 613172.

Allele frequency attached by ClinVar (database versions not stated): TOPMed 0.00005; gnomAD 0.00012 and 0.00014; gnomAD exomes 0.00015; ExAC 0.00017.
gnomAD v4.1: 216 of 1,551,530 alleles (0.014%); highest among the groups gnomAD compares: Non-Finnish European, 0.011%; no homozygotes.

Submissions (6):

Labcorp Genetics (formerly Invitae), Labcorp
Classification: Likely benign for Dilated cardiomyopathy 1DD. Last evaluated: 2026-01-26. Review status: criteria provided, single submitter. Criteria: Invitae Variant Classification Sherloc (09022015). Collection method: clinical testing. Allele origin: germline.

Blueprint Genetics
Classification: Likely benign. Last evaluated: 2024-11-20. Review status: criteria provided, single submitter. Criteria: ACMG Guidelines, 2015. Collection method: clinical testing. Allele origin: germline.

Ambry Genetics
Classification: Likely benign for Cardiovascular phenotype. Last evaluated: 2023-05-16. Review status: criteria provided, single submitter. Criteria: Ambry Variant Classification Scheme 2023. Collection method: clinical testing. Allele origin: germline.

GeneDx
Classification: Uncertain significance. Last evaluated: 2022-11-16. Review status: criteria provided, single submitter. Criteria: GeneDx Variant Classification Process June 2021. Collection method: clinical testing. Allele origin: germline. Affected: yes.
Comment: Reported in an individual with DCM and an individual with HCM, however, additional patient-specific data were not described (Gigli et al., 2019; van Lint et al., 2019); In silico analysis supports that this missense variant has a deleterious effect on protein structure/function; This variant is associated with the following publications: (PMID: 30847666, 31514951, 32917565, 34823266, 35893073, HolmstromL2022[Preprint])

Revvity Omics, Revvity
Classification: Uncertain significance for Dilated cardiomyopathy 1DD. Last evaluated: 2022-06-09. Review status: criteria provided, single submitter. Criteria: ACMG Guidelines, 2015. Collection method: clinical testing. Allele origin: germline.

Laboratory for Molecular Medicine, Mass General Brigham Personalized Medicine
Classification: Uncertain significance. Last evaluated: 2015-11-19. Review status: criteria provided, single submitter. Criteria: LMM Criteria. Collection method: clinical testing. Allele origin: germline. Observed: 3 variant alleles.
Comment: Computational prediction tools and conservation analysis suggest that the p.T hr653Ile variant may impact the protein, though this information is not predicti ve enough to determine pathogenicity. In summary, the clinical significance of t he p.Thr653Ile variant is uncertain.

Literature cited by the submitters: PubMed 25351510 (cited by Ambry Genetics); PubMed 29915098 (cited by Ambry Genetics); PubMed 30847666 (cited by Ambry Genetics); PubMed 31514951 (cited by Ambry Genetics); PubMed 34823266 (cited by Ambry Genetics); PubMed 35893073 (cited by Ambry Genetics).